The following is an entry in ClinVar:

NM_004304.5(ALK):c.303G>C (p.Leu101Phe)

Gene: ALK (ALK receptor tyrosine kinase; minus strand). Cytogenetic location: 2p23.1.
Variant type: single nucleotide variant.
Coding change: c.303G>C on transcript NM_004304.5 (MANE Select); coding-DNA position 303, G replaced by C.
Protein change: p.Leu101Phe; replaces leucine 101 with phenylalanine.
Molecular consequence: missense variant.
Genome position (GRCh38, 1-based): chr2:29,920,357, C>G on the plus strand (G>C on the coding strand, the complement: ALK is on the minus strand). VCF-style: chr2-29920357-C-G. GRCh37 (hg19) VCF-style: chr2-30143223-C-G.
Other names: short protein forms L101F.
Identifiers: ClinVar variation 4668970 (VCV004668970.1).

ClinVar aggregate classification (germline): Uncertain significance (1 of 4 stars; one submission).

Conditions:
Hereditary cancer-predisposing syndrome. Also called: Neoplastic Syndromes, Hereditary; Tumor predisposition; Hereditary Cancer Syndrome; Hereditary neoplastic syndrome. Identifiers: Orphanet 140162, MedGen C0027672, MeSH D009386, MONDO:0015356.

gnomAD v4.1: 1 of 1,553,960 alleles (0.000064%); highest among the groups gnomAD compares: East Asian, 0.0024%; no homozygotes.

Submission:

Ambry Genetics
Classification: Uncertain significance for Hereditary cancer-predisposing syndrome. Last evaluated: 2025-09-26. Review status: criteria provided, single submitter. Criteria: Ambry Variant Classification Scheme 2023. Collection method: clinical testing. Allele origin: germline.
Comment: The p.L101F variant (also known as c.303G>C), located in coding exon 1 of the ALK gene, results from a G to C substitution at nucleotide position 303. The leucine at codon 101 is replaced by phenylalanine, an amino acid with highly similar properties. This amino acid position is conserved. In addition, this alteration is predicted to be tolerated by in silico analysis. Based on the available evidence, the clinical significance of this variant remains unclear.